The following is an entry in ClinVar:

ClinVar aggregate classification (germline): Benign/Likely benign. Review status: criteria provided, multiple submitters, no conflicts (2 of 4 stars). 5 submissions from 5 submitters: Benign (1); Likely benign (4). Last evaluated 2026-05-15.

Conditions:
Hereditary cancer-predisposing syndrome. Also called: Hereditary neoplastic syndrome; Neoplastic Syndromes, Hereditary; Hereditary Cancer Syndrome; Tumor predisposition. Identifiers: Orphanet 140162, MedGen C0027672, MeSH D009386, MONDO:0015356.
Neurofibromatosis, type 1 (NF1). Also called: NEUROFIBROMATOSIS, TYPE I, SOMATIC; Neurofibromatosis, type I; VON RECKLINGHAUSEN DISEASE; Peripheral type neurofibromatosis. Identifiers: Orphanet 636, MedGen C0027831, MONDO:0018975, OMIM 162200. Disease mechanism: loss of function.

Submissions (5):

Myriad Genetics, Inc.
Classification: Benign for Neurofibromatosis, type 1. Last evaluated: 2026-05-15. Review status: criteria provided, single submitter. Criteria: Myriad Autosomal Dominant, Autosomal Recessive and X-Linked Classification Criteria (2023). Collection method: clinical testing. Allele origin: unknown.
Comment: This variant is considered benign. This variant is a silent/synonymous amino acid change and it is not expected to impact splicing.

Labcorp Genetics (formerly Invitae), Labcorp
Classification: Likely benign for Neurofibromatosis, type 1. Last evaluated: 2025-04-27. Review status: criteria provided, single submitter. Criteria: Invitae Variant Classification Sherloc (09022015). Collection method: clinical testing. Allele origin: germline.

Genome-Nilou Lab
Classification: Likely benign for Neurofibromatosis, type 1. Last evaluated: 2022-03-15. Review status: criteria provided, single submitter. Criteria: ACMG Guidelines, 2015. Collection method: clinical testing. Allele origin: germline. Affected: no.

GeneDx
Classification: Likely benign. Last evaluated: 2020-07-10. Review status: criteria provided, single submitter. Criteria: GeneDx Variant Classification Process June 2021. Collection method: clinical testing. Allele origin: germline. Affected: yes.

Ambry Genetics
Classification: Likely benign for Hereditary cancer-predisposing syndrome. Last evaluated: 2013-11-20. Review status: criteria provided, single submitter. Criteria: Ambry Autosomal Dominant and X-Linked criteria (10/2015). Collection method: clinical testing. Allele origin: germline. Observed: 1 variant allele.

NM_001042492.3(NF1):c.1734T>C (p.Leu578=)

Gene: NF1 (neurofibromin 1; plus strand). Cytogenetic location: 17q11.2.
Variant type: single nucleotide variant.
Coding change: c.1734T>C on transcript NM_001042492.3 (MANE Select); coding-DNA position 1734, T replaced by C.
Protein change: p.Leu578=; no amino-acid change (leucine 578 retained).
Molecular consequence: synonymous variant.
Genome position (GRCh38, 1-based): chr17:31,223,456, T>C. VCF-style: chr17-31223456-T-C. GRCh37 (hg19) VCF-style: chr17-29550474-T-C.
Other names: c.1734T>C, p.Leu578= (NM_000267.4).
Identifiers: ClinVar variation 229665 (VCV000229665.15), dbSNP rs876658128, ClinGen allele CA10580232.
Genomic context (GRCh38, chr17:31,223,456, plus strand): 5'-ATTAGGTTATTGATGATGCTAGTAACAATGAACTTTATGTTACTGCAGCTCACAAATGCT[T>C]TTTTACATCTGCAAGAAATTAACTAGTCATCAAATGCTTAGTAGCACAGAAATTCTCAAG-3'
Protein context (NP_001035957.1, residues 568-588): ETFWEISSQM[Leu578=]FYICKKLTSH